The following is an entry in ClinVar:

NM_000212.3(ITGB3):c.863T>G (p.Leu288Arg)

Gene: ITGB3 (integrin subunit beta 3; plus strand). Cytogenetic location: 17q21.32.
Variant type: single nucleotide variant.
Coding change: c.863T>G on transcript NM_000212.3 (MANE Select); coding-DNA position 863, T replaced by G.
Protein change: p.Leu288Arg; replaces leucine 288 with arginine.
Molecular consequence: missense variant.
Genome position (GRCh38, 1-based): chr17:47,287,155, T>G. VCF-style: chr17-47287155-T-G. GRCh37 (hg19) VCF-style: chr17-45364521-T-G.
Other names: short protein forms L288R.
Identifiers: ClinVar variation 2747823 (VCV002747823.3), dbSNP rs2547617068, ClinGen allele CA400024957.

ClinVar aggregate classification (germline): Uncertain significance (1 of 4 stars; one submission).

Submission:

Labcorp Genetics (formerly Invitae), Labcorp
Classification: Uncertain significance. Last evaluated: 2023-07-29. Review status: criteria provided, single submitter. Criteria: Invitae Variant Classification Sherloc (09022015). Collection method: clinical testing. Allele origin: germline.
Comment: In summary, the available evidence is currently insufficient to determine the role of this variant in disease. Therefore, it has been classified as a Variant of Uncertain Significance. Advanced modeling of protein sequence and biophysical properties (such as structural, functional, and spatial information, amino acid conservation, physicochemical variation, residue mobility, and thermodynamic stability) performed at Invitae indicates that this missense variant is expected to disrupt ITGB3 protein function. This variant has not been reported in the literature in individuals affected with ITGB3-related conditions. This variant is not present in population databases (gnomAD no frequency). This sequence change replaces leucine, which is neutral and non-polar, with arginine, which is basic and polar, at codon 288 of the ITGB3 protein (p.Leu288Arg).